The following is an entry in ClinVar:

NM_001099922.3(ALG13):c.2316C>G (p.Ser772Arg)

Gene: ALG13 (ALG13 UDP-N-acetylglucosaminyltransferase subunit; plus strand). Cytogenetic location: Xq23.
Variant type: single nucleotide variant.
Coding change: c.2316C>G on transcript NM_001099922.3 (MANE Select); coding-DNA position 2316, C replaced by G.
Protein change: p.Ser772Arg; replaces serine 772 with arginine.
Molecular consequence: missense variant. On other transcripts: non-coding transcript variant (1).
Genome position (GRCh38, 1-based): chrX:111,728,253, C>G. VCF-style: chrX-111728253-C-G. GRCh37 (hg19) VCF-style: chrX-110971481-C-G.
Other names: c.2004C>G, p.Ser668Arg (NM_001257230.2, NM_001257234.2, NM_001257237.2); c.2082C>G, p.Ser694Arg (NM_001257231.2); c.2316C>G, p.Ser772Arg (NM_001324292.2); c.1830C>G, p.Ser610Arg (NM_001324293.1); short protein forms S668R, S772R, S610R, S694R.
Identifiers: ClinVar variation 540335 (VCV000540335.9), dbSNP rs1556509706, ClinGen allele CA414253762.
Genomic context (GRCh38, chrX:111,728,253, plus strand): 5'-AGGTCCCTCTACAATGGTTCCTGCTACTTCAGGATACTGTGTTGGAAGGCGGGGACATAG[C>G]TCAGGCAAACAGACTTTGAATTTAGAGGAGGGCAATGGCCAGAGTGAAAATGGTGAGTCA-3'
Protein context (NP_001093392.1, residues 762-782): SGYCVGRRGH[Ser772Arg]SGKQTLNLEE

ClinVar aggregate classification (germline): Uncertain significance (1 of 4 stars; one submission).

Conditions:
Developmental and epileptic encephalopathy, 36 (DEE36). Also called: Epileptic encephalopathy, early infantile, 36; Congenital disorder of glycosylation, type Is; ALG13-CDG. Identifiers: Orphanet 324422, MedGen C4317295, MONDO:0010472, OMIM 300884.

Submission:

Labcorp Genetics (formerly Invitae), Labcorp
Classification: Uncertain significance for Developmental and epileptic encephalopathy, 36. Last evaluated: 2017-11-03. Review status: criteria provided, single submitter. Criteria: Invitae Variant Classification Sherloc (09022015). Collection method: clinical testing. Allele origin: germline.
Comment: In summary, the available evidence is currently insufficient to determine the role of this variant in disease. Therefore, it has been classified as a Variant of Uncertain Significance. Algorithms developed to predict the effect of sequence changes on RNA splicing suggest that this variant may create or strengthen a splice site, but this prediction has not been confirmed by published transcriptional studies. Algorithms developed to predict the effect of missense changes on protein structure and function output the following: SIFT: "Deleterious"; PolyPhen-2: "Benign"; Align-GVGD: "Class C15". The arginine amino acid residue is found in multiple mammalian species, suggesting that this missense change does not adversely affect protein function. These predictions have not been confirmed by published functional studies and their clinical significance is uncertain. This variant has not been reported in the literature in individuals with ALG13-related disease. This variant is not present in population databases (ExAC no frequency). This sequence change replaces serine with arginine at codon 668 of the ALG13 protein (p.Ser668Arg). The serine residue is moderately conserved and there is a moderate physicochemical difference between serine and arginine.